The following is an entry in ClinVar:

NM_000545.8(HNF1A):c.1501+4A>G

Gene: HNF1A (HNF1 homeobox A; plus strand). Cytogenetic location: 12q24.31.
Variant type: single nucleotide variant.
Coding change: c.1501+4A>G on transcript NM_000545.8 (MANE Select); 4 bases into the intron after coding-DNA position 1501, A replaced by G.
Molecular consequence: intron variant.
Genome position (GRCh38, 1-based): chr12:120,997,669, A>G. VCF-style: chr12-120997669-A-G. GRCh37 (hg19) VCF-style: chr12-121435472-A-G.
Other names: c.1501+4A>G (NM_001306179.2); c.1309+927A>G (NM_001406915.1).
Identifiers: ClinVar variation 2580870 (VCV002580870.2), dbSNP rs2135848297, ClinGen allele CA386970419.

ClinVar aggregate classification (germline): Likely pathogenic (1 of 4 stars; one submission).

Conditions:
Maturity-onset diabetes of the young (MODY). Also called: Maturity onset diabetes mellitus in young. Identifiers: Orphanet 552, MedGen C0342276, MONDO:0018911, HP:0004904.

Submission:

Dept of Medical Genetics, AP-HP Sorbonne University, Pitié-Salpêtrière hospital
Classification: Likely pathogenic for MODY. Last evaluated: 2022-11-01. Review status: criteria provided, single submitter. Criteria: ACMG Guidelines, 2015. Collection method: clinical testing. Allele origin: germline. Affected: yes.
Comment: minigene showed effect on RNA splicing: in-frame skipping of exon 7 (r.1310_1501del, p.Gly437_His500del) as main transcript; and retention of the first 42 bp of intron 7 (r.1501_1502ins42, p.His500_Ala501ins(14)).:PS3 PM2 PP4